The following is an entry in ClinVar:

NM_004068.4(AP2M1):c.237C>T (p.Phe79=)

Gene: AP2M1 (adaptor related protein complex 2 subunit mu 1; plus strand). Cytogenetic location: 3q27.1.
Variant type: single nucleotide variant.
Coding change: c.237C>T on transcript NM_004068.4 (MANE Select); coding-DNA position 237, C replaced by T.
Protein change: p.Phe79=; no amino-acid change (phenylalanine 79 retained).
Molecular consequence: synonymous variant.
Genome position (GRCh38, 1-based): chr3:184,179,019, C>T. VCF-style: chr3-184179019-C-T. GRCh37 (hg19) VCF-style: chr3-183896807-C-T.
Other names: c.237C>T, p.Phe79= (NM_001025205.2); c.312C>T, p.Phe104= (NM_001311198.2).
Identifiers: ClinVar variation 1618766 (VCV001618766.33), dbSNP rs11539598, ClinGen allele CA2727670.

ClinVar aggregate classification (germline): Benign/Likely benign. Review status: criteria provided, multiple submitters, no conflicts (2 of 4 stars). 3 submissions from 3 submitters: Benign (1); Likely benign (2). Last evaluated 2025-12-23.

Allele frequency attached by ClinVar (database versions not stated): 1000 Genomes Project 30x 0.00016; 1000 Genomes Project 0.00020; ESP Exome Variant Server 0.00032; gnomAD 0.00039 and 0.00041; gnomAD exomes 0.00040 and 0.00063; ExAC 0.00041; TOPMed 0.00041.
gnomAD v4.1: 958 of 1,614,160 alleles (0.059%); highest among the groups gnomAD compares: Non-Finnish European, 0.077%; no homozygotes.

Submissions (3):

Labcorp Genetics (formerly Invitae), Labcorp
Classification: Benign. Last evaluated: 2025-12-23. Review status: criteria provided, single submitter. Criteria: Invitae Variant Classification Sherloc (09022015). Collection method: clinical testing. Allele origin: germline.

CeGaT Center for Human Genetics Tuebingen
Classification: Likely benign. Last evaluated: 2024-10-01. Review status: criteria provided, single submitter. Criteria: CeGaT Center For Human Genetics Tuebingen Variant Classification Criteria Version 2. Collection method: clinical testing. Allele origin: germline. Affected: yes. Observed: 3 variant alleles.
Comment: AP2M1: BP4, BP7

Blueprint Genetics
Classification: Likely benign. Last evaluated: 2024-09-16. Review status: criteria provided, single submitter. Criteria: ACMG Guidelines, 2015. Collection method: clinical testing. Allele origin: germline.